The following is an entry in ClinVar:

ClinVar aggregate classification (germline): Uncertain significance (1 of 4 stars; one submission).

Submission:

GeneDx
Classification: Uncertain significance. Last evaluated: 2023-03-28. Review status: criteria provided, single submitter. Criteria: GeneDx Variant Classification Process June 2021. Collection method: clinical testing. Allele origin: germline. Affected: yes.
Comment: Reported using an alternate transcript of the gene; In-frame deletion of 4 amino acids in a non-repeat region; In silico analysis supports a deleterious effect on protein structure/function; Has not been previously published as pathogenic or benign to our knowledge

NM_001244008.2(KIF1A):c.2754_2765del (p.Asp918_Glu921del)

Gene: KIF1A (kinesin family member 1A; minus strand). Cytogenetic location: 2q37.3.
Variant type: Deletion.
Coding change: c.2754_2765del on transcript NM_001244008.2 (MANE Select); coding-DNA positions 2754 to 2765, 12 bases deleted (TGAGGAGGAGGA).
Protein change: p.Asp918_Glu921del.
Molecular consequence: inframe deletion. On other transcripts: intron variant (18).
Genome position (GRCh38, 1-based): chr2:240,757,412-240,757,423, TCCTCCTCCTCA deleted on the plus strand (TGAGGAGGAGGA on the coding strand, the reverse complement: KIF1A is on the minus strand); deleting any 12 consecutive bases within chr2:240,757,412-240,757,434 gives the same sequence; the c. name uses the placement nearest the transcript's 3' end. VCF-style (leftmost placement, unchanged base first): chr2-240757411-CTCCTCCTCCTCA-C. GRCh37 (hg19) VCF-style: chr2-241696828-CTCCTCCTCCTCA-C.
Other names: c.2829_2840del, p.Asp943_Glu946del (NM_001379631.1); c.2703_2714del, p.Asp901_Glu904del (NM_001379632.1); c.2727_2738del, p.Asp909_Glu912del (NM_001379633.1, NM_001379642.1, NM_001379645.1); c.2555+937_2555+948del (NM_001379653.1, NM_001379650.1, NM_001379640.1 and 6 more transcripts); c.2657+937_2657+948del (NM_001379635.1, NM_001330290.2, NM_001379646.1 and 1 more transcripts); c.2630+937_2630+948del (NM_001379637.1, NM_001379648.1); c.2582+937_2582+948del (NM_001320705.2, NM_001379638.1, NM_001330289.2).
Identifiers: ClinVar variation 2442722 (VCV002442722.2), dbSNP rs764726609, ClinGen allele CA2208025.